The following is an entry in ClinVar:

ClinVar aggregate classification (germline): Uncertain significance (1 of 4 stars; one submission).

Conditions:
EGFR-related lung cancer (EGFR). Identifiers: MedGen CN130014.

Submission:

Labcorp Genetics (formerly Invitae), Labcorp
Classification: Uncertain significance for EGFR-related lung cancer. Last evaluated: 2023-03-19. Review status: criteria provided, single submitter. Criteria: Invitae Variant Classification Sherloc (09022015). Collection method: clinical testing. Allele origin: germline.
Comment: This sequence change replaces aspartic acid, which is acidic and polar, with tyrosine, which is neutral and polar, at codon 1003 of the EGFR protein (p.Asp1003Tyr). In summary, the available evidence is currently insufficient to determine the role of this variant in disease. Therefore, it has been classified as a Variant of Uncertain Significance. Advanced modeling of protein sequence and biophysical properties (such as structural, functional, and spatial information, amino acid conservation, physicochemical variation, residue mobility, and thermodynamic stability) performed at Invitae indicates that this missense variant is not expected to disrupt EGFR protein function. This variant has not been reported in the literature in individuals affected with EGFR-related conditions. This variant is not present in population databases (gnomAD no frequency).

NM_005228.5(EGFR):c.3007G>T (p.Asp1003Tyr)

Gene: EGFR (epidermal growth factor receptor; plus strand). Cytogenetic location: 7p11.2.
Variant type: single nucleotide variant.
Coding change: c.3007G>T on transcript NM_005228.5 (MANE Select); coding-DNA position 3007, G replaced by T.
Protein change: p.Asp1003Tyr; replaces aspartic acid 1003 with tyrosine.
Molecular consequence: missense variant.
Genome position (GRCh38, 1-based): chr7:55,201,248, G>T. VCF-style: chr7-55201248-G-T. GRCh37 (hg19) VCF-style: chr7-55268941-G-T.
Other names: c.2872G>T, p.Asp958Tyr (NM_001346897.2, NM_001346899.2); c.3007G>T, p.Asp1003Tyr (NM_001346898.2); c.2848G>T, p.Asp950Tyr (NM_001346900.2); c.2206G>T, p.Asp736Tyr (NM_001346941.2); short protein forms D1003Y, D736Y, D950Y, D958Y.
Identifiers: ClinVar variation 2782647 (VCV002782647.3), dbSNP rs1256257325, ClinGen allele CA367582463.